The following is an entry in ClinVar:

NM_024580.6(EFL1):c.1151C>G (p.Thr384Ser)

Gene: EFL1 (elongation factor like GTPase 1; minus strand). Cytogenetic location: 15q25.2.
Variant type: single nucleotide variant.
Coding change: c.1151C>G on transcript NM_024580.6 (MANE Select); coding-DNA position 1151, C replaced by G.
Protein change: p.Thr384Ser; replaces threonine 384 with serine.
Molecular consequence: missense variant. On other transcripts: non-coding transcript variant (1).
Genome position (GRCh38, 1-based): chr15:82,227,491, G>C on the plus strand (C>G on the coding strand, the complement: EFL1 is on the minus strand). VCF-style: chr15-82227491-G-C. GRCh37 (hg19) VCF-style: chr15-82519832-G-C.
Other names: c.998C>G, p.Thr333Ser (NM_001040610.3); c.362C>G, p.Thr121Ser (NM_001322844.2); c.1151C>G, p.Thr384Ser (NM_001322845.2); short protein forms T333S, T121S, T384S.
Identifiers: ClinVar variation 4764310 (VCV004764310.1).
Genomic context (GRCh38, chr15:82,227,491, plus strand): 5'-CAGGTCCATCTTTCCTCACCTGCTTTCAGTGCTTGAGTTTCTGGTGGAAAAGAGTCAAAA[G>C]TTTGTGATCCTGTGCACATCAGTCTCTCCACTCTCTCAGCTGTAATATCAAGGGGACTAG-3'
Protein context (NP_078856.4, residues 374-394): VERLMCTGSQ[Thr384Ser]FDSFPPETQA

ClinVar aggregate classification (germline): Uncertain significance (1 of 4 stars; one submission).

gnomAD v4.1: 12 of 1,614,138 alleles (0.00074%); highest among the groups gnomAD compares: Non-Finnish European, 0.00093%; no homozygotes.

Submission:

Labcorp Genetics (formerly Invitae), Labcorp
Classification: Uncertain significance. Last evaluated: 2025-12-24. Review status: criteria provided, single submitter. Criteria: Invitae Variant Classification Sherloc (09022015). Collection method: clinical testing. Allele origin: germline.
Comment: This sequence change replaces threonine, which is neutral and polar, with serine, which is neutral and polar, at codon 384 of the EFL1 protein (p.Thr384Ser). This variant is present in population databases (rs767720470, gnomAD 0.002%). This variant has not been reported in the literature in individuals affected with EFL1-related conditions. Invitae Evidence Modeling of protein sequence and biophysical properties (such as structural, functional, and spatial information, amino acid conservation, physicochemical variation, residue mobility, and thermodynamic stability) indicates that this missense variant is not expected to disrupt EFL1 protein function with a negative predictive value of 80%. In summary, the available evidence is currently insufficient to determine the role of this variant in disease. Therefore, it has been classified as a Variant of Uncertain Significance.